The following is an entry in ClinVar:

ClinVar aggregate classification (germline): Likely benign (0 of 4 stars; one submission).

Conditions:
GALNT14-related disorder. Also called: GALNT14-related condition.

Allele frequency attached by ClinVar (database versions not stated): 1000 Genomes Project 0.00080; 1000 Genomes Project 30x 0.00125; ExAC 0.00160; TOPMed 0.00206; gnomAD 0.00207; ESP Exome Variant Server 0.00261; gnomAD exomes 0.00386.
gnomAD v4.1: 5,753 of 1,566,258 alleles (0.37%); highest among the groups gnomAD compares: Non-Finnish European, 0.47%; 30 homozygotes.

Submission:

PreventionGenetics, part of Exact Sciences
Classification: Likely benign for GALNT14-related condition. Last evaluated: 2023-04-10. Review status: no assertion criteria provided. Collection method: clinical testing. Allele origin: germline.
Comment: This variant is classified as likely benign based on ACMG/AMP sequence variant interpretation guidelines (Richards et al. 2015 PMID: 25741868, with internal and published modifications).

NM_024572.4(GALNT14):c.976G>A (p.Val326Ile)

Gene: GALNT14 (polypeptide N-acetylgalactosaminyltransferase 14; minus strand). Cytogenetic location: 2p23.1.
Variant type: single nucleotide variant.
Coding change: c.976G>A on transcript NM_024572.4 (MANE Select); coding-DNA position 976, G replaced by A.
Protein change: p.Val326Ile; replaces valine 326 with isoleucine.
Molecular consequence: missense variant.
Genome position (GRCh38, 1-based): chr2:30,932,150, C>T on the plus strand (G>A on the coding strand, the complement: GALNT14 is on the minus strand). VCF-style: chr2-30932150-C-T. GRCh37 (hg19) VCF-style: chr2-31155016-C-T.
Other names: c.991G>A, p.Val331Ile (NM_001253826.2); c.916G>A, p.Val306Ile (NM_001253827.2, NM_001329096.2); c.871G>A, p.Val291Ile (NM_001329095.2); c.976G>A, p.Val326Ile (NM_001329097.2); short protein forms V291I, V306I, V326I, V331I.
Identifiers: ClinVar variation 3045099 (VCV003045099.2), dbSNP rs139793019, ClinGen allele CA1596867.